The following is an entry in ClinVar:

ClinVar aggregate classification (germline): Uncertain significance. Review status: criteria provided, multiple submitters, no conflicts (2 of 4 stars). 2 submissions from 2 submitters: Uncertain significance (2). Last evaluated 2025-04-28.

gnomAD v4.1: 5 of 1,613,998 alleles (0.00031%); highest among the groups gnomAD compares: Admixed American, 0.0083%; no homozygotes.

Submissions (2):

Labcorp Genetics (formerly Invitae), Labcorp
Classification: Uncertain significance. Last evaluated: 2025-04-28. Review status: criteria provided, single submitter. Criteria: Invitae Variant Classification Sherloc (09022015). Collection method: clinical testing. Allele origin: germline.
Comment: This sequence change replaces phenylalanine, which is neutral and non-polar, with serine, which is neutral and polar, at codon 4854 of the USH2A protein (p.Phe4854Ser). This variant is present in population databases (rs766014941, gnomAD 0.009%). This variant has not been reported in the literature in individuals affected with USH2A-related conditions. ClinVar contains an entry for this variant (Variation ID: 3715857). Invitae Evidence Modeling of protein sequence and biophysical properties (such as structural, functional, and spatial information, amino acid conservation, physicochemical variation, residue mobility, and thermodynamic stability) indicates that this missense variant is not expected to disrupt USH2A protein function with a negative predictive value of 95%. In summary, the available evidence is currently insufficient to determine the role of this variant in disease. Therefore, it has been classified as a Variant of Uncertain Significance.

GeneDx
Classification: Uncertain significance. Last evaluated: 2024-12-04. Review status: criteria provided, single submitter. Criteria: GeneDx Variant Classification Process June 2021. Collection method: clinical testing. Allele origin: germline. Affected: yes.
Comment: In silico analysis indicates that this missense variant does not alter protein structure/function; Has not been previously published as pathogenic or benign to our knowledge

NM_206933.4(USH2A):c.14561T>C (p.Phe4854Ser)

Gene: USH2A (usherin; minus strand). Cytogenetic location: 1q41.
Variant type: single nucleotide variant.
Coding change: c.14561T>C on transcript NM_206933.4 (MANE Select); coding-DNA position 14561, T replaced by C.
Protein change: p.Phe4854Ser; replaces phenylalanine 4854 with serine.
Molecular consequence: missense variant.
Genome position (GRCh38, 1-based): chr1:215,648,549, A>G on the plus strand (T>C on the coding strand, the complement: USH2A is on the minus strand). VCF-style: chr1-215648549-A-G. GRCh37 (hg19) VCF-style: chr1-215821891-A-G.
Other names: c.14561T>C (NM_206933.2); short protein forms F4854S.
Identifiers: ClinVar variation 3715857 (VCV003715857.3).
Genomic context (GRCh38, chr1:215,648,549, plus strand): 5'-GCCTTGTTAGTTTCTTCATCCTTCTGCCTGACCCATTACCTGTGAATGACACCATTGGGG[A>G]ACATGGGGGGACTCCACCGGAAGGAGGCCGTCCTTGAGGCCAGCGTCCCGATTTGTGGAG-3'
Protein context (NP_996816.3, residues 4844-4864): TASFRWSPPM[Phe4854Ser]PNGVIHSYEL